The following is an entry in ClinVar:

ClinVar aggregate classification (germline): Pathogenic. Review status: criteria provided, multiple submitters, no conflicts (2 of 4 stars). 3 submissions from 3 submitters: Pathogenic (3). Last evaluated 2023-12-14.

Conditions:
Hereditary nonpolyposis colorectal neoplasms. Identifiers: MedGen C0009405, MeSH D003123.
Hereditary cancer-predisposing syndrome. Also called: Tumor predisposition; Hereditary Cancer Syndrome; Neoplastic Syndromes, Hereditary; Hereditary neoplastic syndrome. Identifiers: Orphanet 140162, MedGen C0027672, MeSH D009386, MONDO:0015356.
Lynch syndrome 5 (LYNCH5). Also called: Colorectal cancer, hereditary nonpolyposis, type 5; Hereditary non-polyposis colorectal cancer, type 5. Identifiers: Orphanet 144, MedGen C1833477, MONDO:0013710, OMIM 614350. Disease mechanism: loss of function.

Submissions (3):

Ambry Genetics
Classification: Pathogenic for Hereditary cancer-predisposing syndrome. Last evaluated: 2023-12-14. Review status: criteria provided, single submitter. Criteria: Ambry Variant Classification Scheme 2023. Collection method: clinical testing. Allele origin: germline.
Comment: The c.3209dupG pathogenic mutation, located in coding exon 5 of the MSH6 gene, results from a duplication of G at nucleotide position 3209, causing a translational frameshift with a predicted alternate stop codon (p.D1071*). This alteration is expected to result in loss of function by premature protein truncation or nonsense-mediated mRNA decay. As such, this alteration is interpreted as a disease-causing mutation.

Myriad Genetics, Inc.
Classification: Pathogenic for Lynch syndrome 5. Last evaluated: 2023-08-22. Review status: criteria provided, single submitter. Criteria: Myriad Autosomal Dominant, Autosomal Recessive and X-Linked Classification Criteria (2023). Collection method: clinical testing. Allele origin: unknown.
Comment: This variant is considered pathogenic. This variant creates a termination codon and is predicted to result in premature protein truncation.

Labcorp Genetics (formerly Invitae), Labcorp
Classification: Pathogenic for Hereditary nonpolyposis colorectal neoplasms. Last evaluated: 2022-08-20. Review status: criteria provided, single submitter. Criteria: Invitae Variant Classification Sherloc (09022015). Collection method: clinical testing. Allele origin: germline.
Comment: This variant is present in population databases (no rsID available, gnomAD no frequency). This variant has not been reported in the literature in individuals affected with MSH6-related conditions. ClinVar contains an entry for this variant (Variation ID: 823196). For these reasons, this variant has been classified as Pathogenic. This sequence change creates a premature translational stop signal (p.Asp1071*) in the MSH6 gene. It is expected to result in an absent or disrupted protein product. Loss-of-function variants in MSH6 are known to be pathogenic (PMID: 18269114, 24362816).

Literature cited by the submitters: PubMed 18269114 (cited by Labcorp Genetics (formerly Invitae), Labcorp); PubMed 24362816 (cited by Labcorp Genetics (formerly Invitae), Labcorp).

NM_000179.3(MSH6):c.3209dup (p.Gly1070_Asp1071insTer)

Gene: MSH6 (mutS homolog 6; plus strand). Cytogenetic location: 2p16.3.
Variant type: Duplication.
Coding change: c.3209dup on transcript NM_000179.3 (MANE Select); coding-DNA position 3209, one base duplicated (G; older notation c.3209dupG).
Protein change: p.Gly1070_Asp1071insTer.
Molecular consequence: frameshift variant.
Genome position (GRCh38, 1-based): chr2:47,803,456, G duplicated; the last of 5 consecutive G bases (chr2:47,803,452-47,803,456); duplicating any one gives the same sequence. VCF-style (leftmost placement, unchanged base first): chr2-47803451-A-AG. GRCh37 (hg19) VCF-style: chr2-48030590-A-AG.
Other names: c.2819dup, p.Gly940_Asp941insTer (NM_001281492.2); c.2303dup, p.Gly768_Asp769insTer (NM_001281493.2, NM_001281494.2).
Identifiers: ClinVar variation 823196 (VCV000823196.10), dbSNP rs1315445200, ClinGen allele CA532705486.